The following is an entry in ClinVar:

ClinVar aggregate classification (germline): Uncertain significance (1 of 4 stars; one submission).

Allele frequency attached by ClinVar (database versions not stated): TOPMed below 0.00001; ESP Exome Variant Server 0.00008; ExAC 0.00002; gnomAD exomes 0.00001.
gnomAD v4.1: 13 of 1,613,908 alleles (0.00081%); highest among the groups gnomAD compares: Non-Finnish European, 0.0011%; no homozygotes.

Submission:

Labcorp Genetics (formerly Invitae), Labcorp
Classification: Uncertain significance. Last evaluated: 2025-03-17. Review status: criteria provided, single submitter. Criteria: Invitae Variant Classification Sherloc (09022015). Collection method: clinical testing. Allele origin: germline.
Comment: This sequence change replaces leucine, which is neutral and non-polar, with valine, which is neutral and non-polar, at codon 2532 of the VCAN protein (p.Leu2532Val). This variant is present in population databases (rs200088438, gnomAD 0.007%). This variant has not been reported in the literature in individuals affected with VCAN-related conditions. ClinVar contains an entry for this variant (Variation ID: 2956466). An algorithm developed to predict the effect of missense changes on protein structure and function outputs the following: PolyPhen-2: "Benign". The valine amino acid residue is found in multiple mammalian species, which suggests that this missense change does not adversely affect protein function. In summary, the available evidence is currently insufficient to determine the role of this variant in disease. Therefore, it has been classified as a Variant of Uncertain Significance.

NM_004385.5(VCAN):c.7594T>G (p.Leu2532Val)

Genes: VCAN (versican; plus strand), VCAN-AS1 (VCAN antisense RNA 1; minus strand). Cytogenetic location: 5q14.3.
Variant type: single nucleotide variant.
Coding change: c.7594T>G on transcript NM_004385.5 (MANE Select); coding-DNA position 7594, T replaced by G.
Protein change: p.Leu2532Val; replaces leucine 2532 with valine.
Molecular consequence: missense variant. On other transcripts: intron variant (2).
Genome position (GRCh38, 1-based): chr5:83,540,597, T>G. VCF-style: chr5-83540597-T-G. GRCh37 (hg19) VCF-style: chr5-82836416-T-G.
Other names: c.4633T>G, p.Leu1545Val (NM_001164097.2); c.4004-4940T>G (NM_001164098.2); c.1043-4940T>G (NM_001126336.3); short protein forms L1545V, L2532V.
Identifiers: ClinVar variation 2956466 (VCV002956466.3), dbSNP rs200088438, ClinGen allele CA3333667.